The following is an entry in ClinVar:

ClinVar aggregate classification (germline): Uncertain significance (1 of 4 stars; one submission).

Conditions:
Cortical dysplasia-focal epilepsy syndrome (PTHSL1). Also called: Pitt-Hopkins-like syndrome 1. Identifiers: Orphanet 163681, Orphanet 221150, MedGen C2750246, MONDO:0012400, OMIM 610042.

Allele frequency attached by ClinVar (database versions not stated): gnomAD exomes below 0.00001; gnomAD 0.00001; TOPMed 0.00001.
gnomAD v4.1: 5 of 1,614,002 alleles (0.00031%); highest among the groups gnomAD compares: Non-Finnish European, 0.00042%; no homozygotes.

Submission:

Labcorp Genetics (formerly Invitae), Labcorp
Classification: Uncertain significance for Cortical dysplasia-focal epilepsy syndrome. Last evaluated: 2022-08-03. Review status: criteria provided, single submitter. Criteria: Invitae Variant Classification Sherloc (09022015). Collection method: clinical testing. Allele origin: germline.
Comment: In summary, the available evidence is currently insufficient to determine the role of this variant in disease. Therefore, it has been classified as a Variant of Uncertain Significance. Algorithms developed to predict the effect of missense changes on protein structure and function are either unavailable or do not agree on the potential impact of this missense change (SIFT: "Deleterious"; PolyPhen-2: "Benign"; Align-GVGD: "Class C0"). This variant has not been reported in the literature in individuals affected with CNTNAP2-related conditions. This variant is not present in population databases (gnomAD no frequency). This sequence change replaces glutamine, which is neutral and polar, with lysine, which is basic and polar, at codon 297 of the CNTNAP2 protein (p.Gln297Lys).

NM_014141.6(CNTNAP2):c.889C>A (p.Gln297Lys)

Gene: CNTNAP2 (contactin associated protein 2; plus strand). Cytogenetic location: 7q35.
Variant type: single nucleotide variant.
Coding change: c.889C>A on transcript NM_014141.6 (MANE Select); coding-DNA position 889, C replaced by A.
Protein change: p.Gln297Lys; replaces glutamine 297 with lysine.
Molecular consequence: missense variant.
Genome position (GRCh38, 1-based): chr7:147,121,113, C>A. VCF-style: chr7-147121113-C-A. GRCh37 (hg19) VCF-style: chr7-146818205-C-A.
Other names: short protein forms Q297K.
Identifiers: ClinVar variation 2183218 (VCV002183218.4), dbSNP rs1345087745, ClinGen allele CA369923993.